The following is an entry in ClinVar:

ClinVar aggregate classification (germline): Conflicting classifications of pathogenicity. Review status: criteria provided, conflicting classifications (1 of 4 stars). 3 submissions from 3 submitters: Likely pathogenic (1); Uncertain significance (2). Last evaluated 2024-08-31.

Conditions:
Familial adenomatous polyposis 1 (FAP1). Also called: FAMILIAL ADENOMATOUS POLYPOSIS 1, ATTENUATED; POLYPOSIS, ADENOMATOUS INTESTINAL. Identifiers: MedGen C2713442, MONDO:0021056, OMIM 175100. Disease mechanism: loss of function.
Hereditary cancer-predisposing syndrome. Also called: Neoplastic Syndromes, Hereditary; Hereditary neoplastic syndrome; Hereditary Cancer Syndrome; Tumor predisposition. Identifiers: Orphanet 140162, MedGen C0027672, MeSH D009386, MONDO:0015356.

Submissions (3):

Labcorp Genetics (formerly Invitae), Labcorp
Classification: Uncertain significance for Familial adenomatous polyposis 1. Last evaluated: 2024-08-31. Review status: criteria provided, single submitter. Criteria: Invitae Variant Classification Sherloc (09022015). Collection method: clinical testing. Allele origin: germline.
Comment: This sequence change falls in intron 5 of the APC gene. It does not directly change the encoded amino acid sequence of the APC protein. This variant is not present in population databases (gnomAD no frequency). This variant has not been reported in the literature in individuals affected with APC-related conditions. ClinVar contains an entry for this variant (Variation ID: 1199445). Studies have shown that this variant is associated with inconclusive levels of altered splicing (internal data). In summary, the available evidence is currently insufficient to determine the role of this variant in disease. Therefore, it has been classified as a Variant of Uncertain Significance.

Ambry Genetics
Classification: Likely pathogenic for Hereditary cancer-predisposing syndrome. Last evaluated: 2024-03-18. Review status: criteria provided, single submitter. Criteria: Ambry Variant Classification Scheme 2023. Collection method: clinical testing. Allele origin: germline.
Comment: The c.532-16T>G intronic variant results from a T to G substitution 16 nucleotides upstream from coding exon 5 in the APC gene. This variant has been observed in at least one individual with a personal and/or family history that is consistent with APC-associated disease (Ambry internal data; external communication). This variant is considered to be rare based on population cohorts in the Genome Aggregation Database (gnomAD). This nucleotide position is well conserved in available vertebrate species. In silico splice site analysis predicts that this alteration will result in the creation or strengthening of a novel splice acceptor site. RNA studies have demonstrated that this alteration results in abnormal splicing in the set of samples tested (Ambry internal data). Based on the majority of available evidence to date, this variant is likely to be pathogenic.

GeneDx
Classification: Uncertain significance. Last evaluated: 2020-09-11. Review status: criteria provided, single submitter. Criteria: GeneDx Variant Classification Process June 2021. Collection method: clinical testing. Allele origin: germline. Affected: yes.
Comment: Not observed in large population cohorts (Lek 2016); In silico analysis supports a deleterious effect on splicing; Has not been previously published as pathogenic or benign to our knowledge

NM_000038.6(APC):c.532-16T>G

Gene: APC (APC regulator of Wnt signaling pathway; plus strand). Cytogenetic location: 5q22.2.
Variant type: single nucleotide variant.
Coding change: c.532-16T>G on transcript NM_000038.6 (MANE Select); 16 bases into the intron before coding-DNA position 532, T replaced by G.
Molecular consequence: intron variant.
Genome position (GRCh38, 1-based): chr5:112,780,774, T>G. VCF-style: chr5-112780774-T-G. GRCh37 (hg19) VCF-style: chr5-112116471-T-G.
Other names: c.532-16T>G (NM_000038.5, NM_001354895.2, NM_001127510.3 and 3 more transcripts); c.562-16T>G (NM_001354897.2, NM_001354902.2, NM_001127511.3); c.457-16T>G (NM_001354898.2, NM_001354904.2); c.-504-16T>G (NM_001354906.2); c.355-16T>G (NM_001354900.2, NM_001354901.2, NM_001354905.2).
Identifiers: ClinVar variation 1199445 (VCV001199445.9), dbSNP rs2149638830, ClinGen allele CA2499217410.